The following continues an entry in ClinVar:

NM_000540.3(RYR1):c.487C>T (p.Arg163Cys)

Gene: RYR1. ClinVar aggregate classification (germline): Pathogenic; drug response. Pathogenic (1).

Submissions 11 to 22 of 22:

Labcorp Genetics (formerly Invitae), Labcorp
Classification: Pathogenic for RYR1-related disorder. Last evaluated: 2025-12-06. Review status: criteria provided, single submitter. Criteria: Invitae Variant Classification Sherloc (09022015). Collection method: clinical testing. Allele origin: germline. Not counted in ClinVar's aggregate classification.
Comment: This sequence change replaces arginine, which is basic and polar, with cysteine, which is neutral and slightly polar, at codon 163 of the RYR1 protein (p.Arg163Cys). This variant is not present in population databases (gnomAD no frequency). This missense change has been observed in individuals with autosomal dominant malignant hyperthermia (MH) and central core disease (CCD) (PMID: 8220423, 8592342, 19648156). It has also been observed to segregate with disease in related individuals. ClinVar contains an entry for this variant (Variation ID: 12967). Invitae Evidence Modeling of protein sequence and biophysical properties (such as structural, functional, and spatial information, amino acid conservation, physicochemical variation, residue mobility, and thermodynamic stability) indicates that this missense variant is expected to disrupt RYR1 protein function with a positive predictive value of 95%. Experimental studies have shown that this missense change affects RYR1 function (PMID: 9334205, 11524458, 21156754). For these reasons, this variant has been classified as Pathogenic.

Revvity Omics, Revvity
Classification: Pathogenic. Last evaluated: 2025-05-27. Review status: criteria provided, single submitter. Criteria: ACMG Guidelines, 2015. Collection method: clinical testing. Allele origin: germline. Not counted in ClinVar's aggregate classification.

Institute of Human Genetics, University of Leipzig Medical Center
Classification: Pathogenic for Malignant hyperthermia, susceptibility to, 1. Last evaluated: 2024-12-10. Review status: criteria provided, single submitter. Criteria: ACMG Guidelines, 2015. Collection method: clinical testing. Allele origin: paternal. Inheritance: Autosomal dominant inheritance. Affected: yes. Not counted in ClinVar's aggregate classification.
Comment: Criteria applied: PS3,PS4,PP1_STR,PM1_SUP,PM5_SUP,PP3

Equipe Genetique des Anomalies du Developpement, Université de Bourgogne
Classification: Pathogenic for Malignant hyperthermia, susceptibility to, 1. Last evaluated: 2024-10-29. Review status: criteria provided, single submitter. Criteria: ACMG Guidelines, 2015. Collection method: clinical testing. Allele origin: maternal. Affected: yes. Not counted in ClinVar's aggregate classification.
Comment: This c.487C>T missense variant present in a heterozygous state impacts a preserved amino acid and is localized in a functional domain. In silico prediction scores are in favour of a deleterious effect. This variant is reported in ClinVar as pathogenic, as well as in litterature (PMID 8592342, 8220423, 7586638). It is reported twice in a heterozygous state in gnomAD (v4.1.0). Monoallelic variants in the RYR1 gene are responsible for an autosomal dominant susceptibility to malignant hyperthermia (OMIM #145600). According to available evidence, this variant is considered to be pathogenic.

All of Us Research Program, National Institutes of Health
Classification: Pathogenic for Malignant hyperthermia, susceptibility to, 1. Last evaluated: 2024-05-06. Review status: criteria provided, single submitter. Criteria: ACMG Guidelines, 2015. Collection method: clinical testing. Allele origin: germline. Inheritance: Autosomal dominant inheritance. Observed: 1 variant allele, 1 heterozygote. Not counted in ClinVar's aggregate classification.
Comment: The c.487C>T (p.Arg163Cys) variant, located on the exon 6 of the RYR1 gene, replaces arginine with cysteine at codon 163 of the RYR1 protein (p.Arg163Cys). This variant has been observed in >40 individuals with personal or family histories of a malignant hyperthermia reaction, positive in vitro contracture test (IVCT) or caffeine halothane contracture test (CHCT) (PMID:30236257, 12151923, 16163667, 8220423, 11575529, 12059893, 23558838 and others). This variant is located in a mutational hot spot region that contributes to malignant hyperthermia (PMID: 21118704). Functional studies in HEK293 cells show an increased sensitivity to RYR1 agonists. A knock-in mouse model supports pathogenicity of this variant demonstrating a malignant hyperthermia reaction in response to agonist, as well ex vivo studies show increased response to agonist with increased calcium release (PMID:20461000, 9334205, 17122579). Computational prediction (REVEL >0.85) suggests that this variant may have deleterious impact on protein structure and function. This variant is absent in the control population (gnomAD). This variant is reported in ClinVar and classified pathogenic by the expert panel (ID: 12967). Another variant affecting the same amino acid, c.488G>T (p.Arg163Leu), has also been classified as pathogenic by the expert panel in ClinVar (ID:133137). Therefore, the c.487C>T (p.Arg163Cys) variant in the RYR1 gene is classified as pathogenic.

This study involves interpretation of variants in research participants for the purpose of population health screening. Participant phenotype was not available at the time of variant classification. Additional details can be found in publication PMID: 35346344, PMCID: PMC8962531

GeneDx
Classification: Pathogenic. Last evaluated: 2023-09-10. Review status: criteria provided, single submitter. Criteria: GeneDx Variant Classification Process June 2021. Collection method: clinical testing. Allele origin: germline. Affected: yes. Not counted in ClinVar's aggregate classification.
Comment: Published functional studies demonstrate a damaging effect as R163C results in hypersensitivity to halothane and increased calcium release (Censier et al., 1998; Chen et al., 2017); Not observed at significant frequency in large population cohorts (gnomAD); In silico analysis supports that this missense variant has a deleterious effect on protein structure/function; Also known as p.R164C; This variant is associated with the following publications: (PMID: 19541610, 20461000, 21156754, 20479108, 17122579, 32826313, 23459219, 12732639, 11524458, 9873004, 9334205, 8592342, 12411788, 28687594, 7889656, 9502764, 30499100, 19648156, 8220423, 21965348, 30236257, 12124989, 35741838, 35428369, 32403337, 33767344)

Blueprint Genetics
Classification: Pathogenic for RYR1-related disorders. Last evaluated: 2023-07-05. Review status: criteria provided, single submitter. Criteria: ACMG Guidelines, 2015. Collection method: clinical testing. Allele origin: germline. Affected: yes. Observed: 3 variant alleles. Not counted in ClinVar's aggregate classification.

ARUP Laboratories, Molecular Genetics and Genomics, ARUP Laboratories
Classification: Pathogenic. Last evaluated: 2021-08-30. Review status: criteria provided, single submitter. Criteria: ARUP Molecular Germline Variant Investigation Process 2021. Collection method: clinical testing. Allele origin: germline. Not counted in ClinVar's aggregate classification.
Comment: The RYR1 c.487C>T; p.Arg163Cys variant (rs118192161) is reported in individuals with malignant hyperthermia (MH) and central core disease (CCD) and segregates with MH and CCD in several families (Carpenter 2009, O'Brien 1995, Quane 1993). The variant is listed in the ClinVar database (Variation ID: 12967) but is absent from general population databases (Exome Variant Server, Genome Aggregation Database), indicating it is not a common polymorphism. The arginine at codon 163 is moderately conserved, and computational analyses predict that this variant is deleterious (REVEL: 0.959). Additionally, experimental studies show that this variant alters protein function in vitro and in vivo, including in a mouse model of this variant (Avila 2001, Feng 2011, Tong 1997). Based on available information, this variant is considered to be pathogenic. References: Avila G and Dirksen RT. Functional effects of central core disease mutations in the cytoplasmic region of the skeletal muscle ryanodine receptor. J Gen Physiol. 2001 Sep;118(3):277-90. PMID: 11524458. Carpenter D et al. Genetic variation in RYR1 and malignant hyperthermia phenotypes. Br J Anaesth. 2009 Oct;103(4):538-48. PMID: 19648156. Feng W et al. Functional and biochemical properties of ryanodine receptor type 1 channels from heterozygous R163C malignant hyperthermia-susceptible mice. Mol Pharmacol. 2011 Mar;79(3):420-31. PMID: 21156754. O'Brien RO et al. Exclusion of defects in the skeletal muscle specific regions of the DHPR alpha 1 subunit as frequent causes of malignant hyperthermia. J Med Genet. 1995 Nov;32(11):913-4. PMID: 8592342. Quane KA et al. Mutations in the ryanodine receptor gene in central core disease and malignant hyperthermia. Nat Genet. 1993 Sep;5(1):51-5. PMID: 8220423. Tong J et al. Caffeine and halothane sensitivity of intracellular Ca2+ release is altered by 15 calcium release channel (ryanodine receptor) mutations associated with malignant hyperthermia and/or central core disease. J Biol Chem. 1997 Oct 17;272(42):26332-9. PMID: 9334205.

Laboratory for Molecular Medicine, Mass General Brigham Personalized Medicine
Classification: Pathogenic for Malignant hyperthermia of anesthesia. Last evaluated: 2019-10-17. Review status: criteria provided, single submitter. Criteria: ACMG Guidelines, 2015. Collection method: clinical testing. Allele origin: germline. Not counted in ClinVar's aggregate classification.
Comment: The p.Arg163Cys variant in RYR1 has been reported in at least 15 individuals with malignant hyperthermia and segregated with disease in at least 7 affected individuals from several families (Broman 2011, Carpenter 2009, Tobin 2001, Quane 1993, Wappler 2001, Monnier 2002). Of note, this variant has been associated with central core disease and rhabdomyolysis, and in one individual with heat stroke. This variant was absent from large population studies but has been reported in ClinVar (Variation ID 12967). Computational prediction tools and conservation analyses suggest that this variant may impact the protein, though this information is not predictive enough to determine pathogenicity. In vitro functional studies support an impact on protein function (Carpenter 2009). Another variant involving this codon (p.Arg163His) has been identified in individuals with malignant hyperthermia and has been reported in ClinVar (ClinVar ID 635269). In summary, this variant meets criteria to be classified as pathogenic for autosomal dominant malignant hyperthermia. ACMG/AMP Criteria applied: PS4, PP1_Strong, PM2, PS3_Moderate, PP3

OMIM
Classification: risk factor for MALIGNANT HYPERTHERMIA, SUSCEPTIBILITY TO, 1. Last evaluated: 2001-07-11. Review status: no assertion criteria provided. Collection method: literature only. Allele origin: germline. Not counted in ClinVar's aggregate classification.

OMIM
Classification: risk factor for CONGENITAL MYOPATHY 1A, AUTOSOMAL DOMINANT, WITH SUSCEPTIBILITY TO MALIGNANT HYPERTHERMIA. Last evaluated: 2001-07-11. Review status: no assertion criteria provided. Collection method: literature only. Allele origin: germline. Not counted in ClinVar's aggregate classification.

RYR1 database
No classification provided. Review status: no classification provided. Collection method: not provided. Allele origin: unknown. Not counted in ClinVar's aggregate classification.
Comment: Additional PMIDs:;16835904;12434264;12059893;18564801;16917943;16732084;12411788;16917943

Literature cited by the submitters: PubMed 11575529 (cited by 3 submitters); PubMed 12059893 (cited by 3 submitters); PubMed 12124989 (cited by ClinPGx); PubMed 12151923 (cited by ClinPGx and All of Us Research Program, National Institutes of Health); PubMed 12208234 (cited by ClinPGx); PubMed 12411788 (cited by ClinPGx and Laboratory for Molecular Medicine, Mass General Brigham Personalized Medicine); PubMed 15448513 (cited by ClinPGx); PubMed 15731587 (cited by ClinPGx); PubMed 16163667 (cited by 3 submitters); PubMed 16732084 (cited by ClinPGx); PubMed 16835904 (cited by ClinPGx); PubMed 16917943 (cited by ClinPGx); PubMed 17122579 (cited by 3 submitters); PubMed 18564801 (cited by ClinPGx); PubMed 19648156 (cited by 4 submitters); PubMed 21455645 (cited by ClinPGx); PubMed 21965348 (cited by ClinPGx and Laboratory for Molecular Medicine, Mass General Brigham Personalized Medicine); PubMed 23159934 (cited by ClinPGx); PubMed 23558838 (cited by 3 submitters); PubMed 25989378 (cited by ClinPGx); PubMed 7547049 (cited by ClinPGx); PubMed 7889656 (cited by ClinPGx and OMIM); PubMed 8220423 (cited by 6 submitters); PubMed 8592342 (cited by 4 submitters); PubMed 9334205 (cited by 4 submitters); PubMed 9497245 (cited by ClinPGx); PubMed 20461000 (cited by Ambry Genetics and All of Us Research Program, National Institutes of Health); PubMed 30236257 (cited by Ambry Genetics and All of Us Research Program, National Institutes of Health); PubMed 35718563 (cited by Ambry Genetics); PubMed 11524458 (cited by Labcorp Genetics (formerly Invitae), Labcorp); PubMed 21156754 (cited by Labcorp Genetics (formerly Invitae), Labcorp); PubMed 7586638 (cited by Equipe Genetique des Anomalies du Developpement, Université de Bourgogne and OMIM); PubMed 21118704 (cited by All of Us Research Program, National Institutes of Health); PubMed 11448278 (cited by Laboratory for Molecular Medicine, Mass General Brigham Personalized Medicine and OMIM); PubMed 11135728 (cited by Laboratory for Molecular Medicine, Mass General Brigham Personalized Medicine).